The following is an entry in ClinVar:

ClinVar aggregate classification (germline): Conflicting classifications of pathogenicity. Review status: criteria provided, conflicting classifications (1 of 4 stars). 3 submissions from 3 submitters: Pathogenic (1); Uncertain significance (2). Last evaluated 2025-03-12.

Conditions:
Multiple gastrointestinal atresias. Also called: FAMILIAL INTESTINAL POLYATRESIA SYNDROME; Multiple intestinal atresia. Identifiers: Orphanet 2300, MedGen C0220744, MONDO:0009465.
Common variable immunodeficiency (CVID). Also called: Common variable hypogamma-globulinemia; Common variable agammaglobulinemia. Identifiers: Orphanet 1572, MedGen C0009447, MONDO:0015517.

gnomAD v4.1: 10 of 1,613,538 alleles (0.00062%); highest among the groups gnomAD compares: Non-Finnish European, 0.00085%; no homozygotes.

Submissions (3):

Women's Health and Genetics/Laboratory Corporation of America, LabCorp
Classification: Uncertain significance. Last evaluated: 2025-03-12. Review status: criteria provided, single submitter. Criteria: LabCorp Variant Classification Summary - May 2015. Collection method: clinical testing. Allele origin: germline.
Comment: Variant summary: TTC7A c.1802+3G>C alters a conserved nucleotide located close to a canonical splice site and therefore could affect mRNA splicing, leading to a significantly altered protein sequence. Several computational tools predict a significant impact on normal splicing: Three predict the variant weakens a 5' donor site. One predict the variant no significant impact on splicing. However, these predictions have yet to be confirmed by functional studies. The variant was absent in 250582 control chromosomes. c.1802+3G>C has been reported in the literature in at least two individuals affected with immunodeficiency (e.g., Thaventhiran_2020, internal data). These data indicate that the variant may be associated with disease. To our knowledge, no experimental evidence demonstrating an impact on protein function has been reported. The following publications have been ascertained in the context of this evaluation (PMID: 32581362, 32499645). ClinVar contains an entry for this variant (Variation ID: 827747). Based on the evidence outlined above, the variant was classified as VUS-possibly pathogenic.

Labcorp Genetics (formerly Invitae), Labcorp
Classification: Uncertain significance for Multiple gastrointestinal atresias. Last evaluated: 2021-08-31. Review status: criteria provided, single submitter. Criteria: Invitae Variant Classification Sherloc (09022015). Collection method: clinical testing. Allele origin: germline.
Comment: This sequence change falls in intron 15 of the TTC7A gene. It does not directly change the encoded amino acid sequence of the TTC7A protein. It affects a nucleotide within the consensus splice site of the intron. This variant is not present in population databases (ExAC no frequency). This variant has been observed in individual(s) with clinical features of TTC7A-related conditions (Invitae). In at least one individual the data is consistent with the variant being in trans (on the opposite chromosome) from a pathogenic variant. ClinVar contains an entry for this variant (Variation ID: 827747). Variants that disrupt the consensus splice site are a relatively common cause of aberrant splicing (PMID: 17576681, 9536098). Algorithms developed to predict the effect of sequence changes on RNA splicing suggest that this variant may disrupt the consensus splice site. In summary, the available evidence is currently insufficient to determine the role of this variant in disease. Therefore, it has been classified as a Variant of Uncertain Significance.

NIHR Bioresource Rare Diseases, University of Cambridge
Classification: Pathogenic for Common variable immunodeficiency. Last evaluated: 2019-01-01. Review status: criteria provided, single submitter. Criteria: ACMG Guidelines, 2015. Collection method: research. Allele origin: germline. Affected: yes. Observed: 1 heterozygote.

Literature cited by the submitters: PubMed 32581362 (cited by Women's Health and Genetics/Laboratory Corporation of America, LabCorp); PubMed 32499645 (cited by Women's Health and Genetics/Laboratory Corporation of America, LabCorp); PubMed 17576681 (cited by Labcorp Genetics (formerly Invitae), Labcorp); PubMed 9536098 (cited by Labcorp Genetics (formerly Invitae), Labcorp).

NM_020458.4(TTC7A):c.1802+3G>C

Gene: TTC7A (tetratricopeptide repeat domain 7A; plus strand). Cytogenetic location: 2p21.
Variant type: single nucleotide variant.
Coding change: c.1802+3G>C on transcript NM_020458.4 (MANE Select); 3 bases into the intron after coding-DNA position 1802, G replaced by C.
Molecular consequence: intron variant.
Genome position (GRCh38, 1-based): chr2:47,029,387, G>C. VCF-style: chr2-47029387-G-C. GRCh37 (hg19) VCF-style: chr2-47256526-G-C.
Other names: c.1700+3G>C (NM_001288953.2); c.1802+3G>C (NM_001288951.2); c.740+3G>C (NM_001288955.2).
Identifiers: ClinVar variation 827747 (VCV000827747.7), dbSNP rs1572961263, ClinGen allele CA915943914.